The following is an entry in ClinVar:

NM_005816.5(CD96):c.418+7A>G

Gene: CD96 (CD96 molecule; plus strand). Cytogenetic location: 3q13.13.
Variant type: single nucleotide variant.
Coding change: c.418+7A>G on transcript NM_005816.5 (MANE Select); 7 bases into the intron after coding-DNA position 418, A replaced by G.
Molecular consequence: intron variant.
Genome position (GRCh38, 1-based): chr3:111,545,409, A>G. VCF-style: chr3-111545409-A-G. GRCh37 (hg19) VCF-style: chr3-111264256-A-G.
Other names: c.418+7A>G (NM_198196.3, NM_001410800.1, NM_001318889.2).
Identifiers: ClinVar variation 3037822 (VCV003037822.3), dbSNP rs377183280, ClinGen allele CA2534159.
Genomic context (GRCh38, chr3:111,545,409, plus strand): 5'-TGTATCCAGAGGGCATTCAGACTAAAATCTACAACCTTCTCATTCAGACACACGGTAAGC[A>G]TAACTGGTAGAGGGATGTGCTTTCATTCAGCTCTCTCTCATTCAACAAATGTACATTTTA-3'

ClinVar aggregate classification (germline): Likely benign. Review status: criteria provided, single submitter (1 of 4 stars). 2 submissions from 2 submitters: Likely benign (1). 1 of the submissions does not count toward it. Last evaluated 2025-05-29.

Conditions:
CD96-related disorder. Also called: CD96-related condition.

Allele frequency attached by ClinVar (database versions not stated): gnomAD 0.00001; TOPMed 0.00002; ExAC 0.00003; gnomAD exomes 0.00005; ESP Exome Variant Server 0.00008.
gnomAD v4.1: 71 of 1,501,394 alleles (0.0047%); highest among the groups gnomAD compares: Non-Finnish European, 0.0064%; no homozygotes.

Submissions (2):

Women's Health and Genetics/Laboratory Corporation of America, LabCorp
Classification: Likely benign. Last evaluated: 2025-05-29. Review status: criteria provided, single submitter. Criteria: LabCorp Variant Classification Summary - May 2015. Collection method: clinical testing. Allele origin: germline.

PreventionGenetics, part of Exact Sciences
Classification: Likely benign for CD96-related condition. Last evaluated: 2019-04-29. Review status: no assertion criteria provided. Collection method: clinical testing. Allele origin: germline. Not counted in ClinVar's aggregate classification.
Comment: This variant is classified as likely benign based on ACMG/AMP sequence variant interpretation guidelines (Richards et al. 2015 PMID: 25741868, with internal and published modifications).